The following is an entry in ClinVar:

ClinVar aggregate classification (germline): Benign (1 of 4 stars; one submission).

Allele frequency attached by ClinVar (database versions not stated): gnomAD 0.58020 and 0.57373; TOPMed 0.58220; 1000 Genomes Project 0.64257; 1000 Genomes Project 30x 0.64132.

Submission:

GeneDx
Classification: Benign. Last evaluated: 2018-06-16. Review status: criteria provided, single submitter. Criteria: GeneDx Variant Classification (06012015). Collection method: clinical testing. Allele origin: germline. Affected: yes.
Comment: This variant is considered likely benign or benign based on one or more of the following criteria: it is a conservative change, it occurs at a poorly conserved position in the protein, it is predicted to be benign by multiple in silico algorithms, and/or has population frequency not consistent with disease.

NM_020451.2(SELENON):c.-347A>G

Gene: SELENON (selenoprotein N; plus strand). Cytogenetic location: 1p36.11.
Variant type: single nucleotide variant.
Coding change: c.-347A>G on transcript NM_020451.2; 347 bases upstream of the start codon, A replaced by G.
Genome position (GRCh38, 1-based): chr1:25,799,884, A>G. VCF-style: chr1-25799884-A-G. GRCh37 (hg19) VCF-style: chr1-26126375-A-G.
Identifiers: ClinVar variation 680991 (VCV000680991.3), dbSNP rs7524771, ClinGen allele CA10766247.
Genomic context (GRCh38, chr1:25,799,884, plus strand): 5'-TTCTCCAGGAAAGCACAGGGTGTGTGGCTTCTCCCCAGCCCCTTCTTTGTCCCAGTCCCC[A>G]GTCTGGAATCGCTCTCTGGGCTGGGCCAGGCAAGTGGGCCGCAGAGGCCTGGCTTAGCTT-3'